The following is an entry in ClinVar:

ClinVar aggregate classification (germline): Benign/Likely benign. Review status: criteria provided, multiple submitters, no conflicts (2 of 4 stars). 3 submissions from 2 submitters: Benign (1); Likely benign (2). Last evaluated 2018-01-12.

Conditions:
Dilated cardiomyopathy 1U. Identifiers: Orphanet 154, MedGen C3160720, MONDO:0013371, OMIM 613694.
Alzheimer disease 3 (AD3). Also called: ALZHEIMER DISEASE, FAMILIAL, 3. Identifiers: Orphanet 1020, MedGen C1843013, MONDO:0011913, OMIM 607822.

Allele frequency attached by ClinVar (database versions not stated): gnomAD 0.00283 and 0.00459; TOPMed 0.00327; 1000 Genomes Project 30x 0.01593; 1000 Genomes Project 0.01777.

Submissions (3):

Illumina Laboratory Services, Illumina
Classification: Likely benign for Dilated cardiomyopathy 1U. Last evaluated: 2018-01-12. Review status: criteria provided, single submitter. Criteria: ICSL Variant Classification Criteria 13 December 2019. Collection method: clinical testing. Allele origin: germline.
Comment: This variant was observed in the ICSL laboratory as part of a predisposition screen in an ostensibly healthy population. It had not been previously curated by ICSL or reported in the Human Gene Mutation Database (HGMD: prior to June 1st, 2018), and was therefore a candidate for classification through an automated scoring system. Utilizing variant allele frequency, disease prevalence and penetrance estimates, and inheritance mode, an automated score was calculated to assess if this variant is too frequent to cause the disease. Based on the score and internal cut-off values, a variant classified as likely benign is not then subjected to further curation. The score for this variant resulted in a classification of likely benign for this disease.

Illumina Laboratory Services, Illumina
Classification: Benign for Alzheimer disease 3. Last evaluated: 2018-01-12. Review status: criteria provided, single submitter. Criteria: ICSL Variant Classification Criteria 13 December 2019. Collection method: clinical testing. Allele origin: germline.
Comment: This variant was observed in the ICSL laboratory as part of a predisposition screen in an ostensibly healthy population. It had not been previously curated by ICSL or reported in the Human Gene Mutation Database (HGMD: prior to June 1st, 2018), and was therefore a candidate for classification through an automated scoring system. Utilizing variant allele frequency, disease prevalence and penetrance estimates, and inheritance mode, an automated score was calculated to assess if this variant is too frequent to cause the disease. Based on the score and internal cut-off values, a variant classified as benign is not then subjected to further curation. The score for this variant resulted in a classification of benign for this disease.

Breakthrough Genomics
Classification: Likely benign. Review status: criteria provided, single submitter. Criteria: ACMG Guidelines, 2015. Collection method: not provided. Allele origin: germline. Inheritance: Autosomal dominant inheritance. Affected: yes.

NM_000021.4(PSEN1):c.*4030A>G

Gene: PSEN1 (presenilin 1; plus strand). Cytogenetic location: 14q24.2.
Variant type: single nucleotide variant.
Coding change: c.*4030A>G on transcript NM_000021.4 (MANE Select); 4030 bases downstream of the stop codon, A replaced by G.
Molecular consequence: 3 prime UTR variant.
Genome position (GRCh38, 1-based): chr14:73,223,319, A>G. VCF-style: chr14-73223319-A-G. GRCh37 (hg19) VCF-style: chr14-73690027-A-G.
Other names: c.*4030A>G (NM_007318.3).
Identifiers: ClinVar variation 314005 (VCV000314005.6), dbSNP rs186752250, ClinGen allele CA10644685.
Genomic context (GRCh38, chr14:73,223,319, plus strand): 5'-ACAGCCTTGGGCAGCAGGGTGCCTCTTAGTGGATGTGCTGGGTCCACCCTGAGCCCTGAC[A>G]TGTGGTGGCAGCATTGCCAGTTGGTCTGTGTGTCTGTGTAGCAGGGACGATTTCCCAGAA-3'